The following is an entry in ClinVar:

ClinVar aggregate classification (germline): Likely benign (1 of 4 stars; one submission).

Conditions:
Colorectal cancer, susceptibility to, 1. Also called: COLORECTAL ADENOMA AND CANCER, SUSCEPTIBILITY TO; COLORECTAL CANCER, SUSCEPTIBILITY TO, ON CHROMOSOME 9. Identifiers: MedGen C1837315, MONDO:0012132, OMIM 608812.

gnomAD v4.1: 6 of 1,613,972 alleles (0.00037%); highest among the groups gnomAD compares: South Asian, 0.0066%; no homozygotes.

Submission:

Myriad Genetics, Inc.
Classification: Likely benign for Colorectal cancer, susceptibility to, 1. Last evaluated: 2026-04-21. Review status: criteria provided, single submitter. Criteria: Myriad Autosomal Dominant, Autosomal Recessive and X-Linked Classification Criteria (2023). Collection method: clinical testing. Allele origin: unknown.
Comment: This variant is considered likely benign. This variant is intronic and is not expected to impact mRNA splicing.

NM_024642.5(GALNT12):c.1036-17C>T

Gene: GALNT12 (polypeptide N-acetylgalactosaminyltransferase 12; plus strand). Cytogenetic location: 9q22.33.
Variant type: single nucleotide variant.
Coding change: c.1036-17C>T on transcript NM_024642.5 (MANE Select); 17 bases into the intron before coding-DNA position 1036, C replaced by T.
Molecular consequence: intron variant.
Genome position (GRCh38, 1-based): chr9:98,836,955, C>T. VCF-style: chr9-98836955-C-T. GRCh37 (hg19) VCF-style: chr9-101599237-C-T.
Identifiers: ClinVar variation 4876193 (VCV004876193.1).